The following is an entry in ClinVar:

NM_182760.4(SUMF1):c.817G>A (p.Asp273Asn)

Gene: SUMF1 (sulfatase modifying factor 1; minus strand). Cytogenetic location: 3p26.1.
Variant type: single nucleotide variant.
Coding change: c.817G>A on transcript NM_182760.4 (MANE Select); coding-DNA position 817, G replaced by A.
Protein change: p.Asp273Asn; replaces aspartic acid 273 with asparagine.
Molecular consequence: missense variant.
Genome position (GRCh38, 1-based): chr3:4,417,151, C>T on the plus strand (G>A on the coding strand, the complement: SUMF1 is on the minus strand). VCF-style: chr3-4417151-C-T. GRCh37 (hg19) VCF-style: chr3-4458835-C-T.
Other names: c.742G>A, p.Asp248Asn (NM_001164674.2); c.817G>A, p.Asp273Asn (NM_001164675.2); c.817G>A (NM_182760.3); short protein forms D248N, D273N.
Identifiers: ClinVar variation 3233544 (VCV003233544.8), dbSNP rs769349880, ClinGen allele CA2230449.

ClinVar aggregate classification (germline): Pathogenic/Likely pathogenic. Review status: criteria provided, multiple submitters, no conflicts (2 of 4 stars). 5 submissions from 5 submitters: Pathogenic (1); Likely pathogenic (4). Last evaluated 2026-03-05.

Conditions:
SUMF1-related disorder. Also called: SUMF1-related condition.
Multiple sulfatase deficiency (MSD). Also called: Mucosulfatidosis; Multiple Sulfatase Deficiency Disease; Sulfatidosis, Juvenile, Austin Type. Identifiers: Orphanet 585, MedGen C0268263, MONDO:0010088, OMIM 272200.

Allele frequency attached by ClinVar (database versions not stated): ExAC 0.00002; gnomAD exomes 0.00002; gnomAD 0.00003.
gnomAD v4.1: 30 of 1,613,812 alleles (0.0019%); highest among the groups gnomAD compares: Non-Finnish European, 0.0018%; no homozygotes.

Submissions (5):

PreventionGenetics, part of Exact Sciences
Classification: Likely pathogenic for SUMF1-related condition. Last evaluated: 2026-03-05. Review status: criteria provided, single submitter. Criteria: ACMG Guidelines, 2015. Collection method: clinical testing. Allele origin: germline.
Comment: The SUMF1 c.817G>A variant is predicted to result in the amino acid substitution p.Asp273Asn. This variant has been reported, along with a pathogenic variant in SUMF1, in 2 individuals with multiple sulphatase deficiency (Adang et al. 2020. PubMed ID: 32749716). Experimental assays have shown this variant results in significant decrease in protein function and stability (Adang et al. 2020. PubMed ID: 32749716). Other changes affecting this amino acid residue, p.Asp273Gly and p.Asp273Val, have also been reported in affected individuals (Garavelli et al. 2014. PubMed ID: 25516103; Table S10, Schlotawa et al. 2020. PubMed ID: 32621519). This variant is reported in 0.016% of alleles in individuals of European (Finnish) descent in gnomAD. This variant is interpreted as likely pathogenic.

Labcorp Genetics (formerly Invitae), Labcorp
Classification: Pathogenic for Multiple sulfatase deficiency. Last evaluated: 2025-04-22. Review status: criteria provided, single submitter. Criteria: Invitae Variant Classification Sherloc (09022015). Collection method: clinical testing. Allele origin: germline.
Comment: This sequence change replaces aspartic acid, which is acidic and polar, with asparagine, which is neutral and polar, at codon 273 of the SUMF1 protein (p.Asp273Asn). This variant is present in population databases (rs769349880, gnomAD 0.02%). This missense change has been observed in individual(s) with multiple sulfatase deficiency (PMID: 11182930, 32749716). ClinVar contains an entry for this variant (Variation ID: 3233544). Invitae Evidence Modeling of protein sequence and biophysical properties (such as structural, functional, and spatial information, amino acid conservation, physicochemical variation, residue mobility, and thermodynamic stability) indicates that this missense variant is expected to disrupt SUMF1 protein function with a positive predictive value of 95%. Experimental studies have shown that this missense change affects SUMF1 function (PMID: 32749716). This variant disrupts the p.Asp273 amino acid residue in SUMF1. Other variant(s) that disrupt this residue have been determined to be pathogenic (PMID: 25516103). This suggests that this residue is clinically significant, and that variants that disrupt this residue are likely to be disease-causing. For these reasons, this variant has been classified as Pathogenic.

Natera, Inc.
Classification: Likely pathogenic for Multiple sulfatase deficiency. Last evaluated: 2025-02-13. Review status: criteria provided, single submitter. Criteria: Natera Variant Classification Schema (03/2026). Collection method: clinical testing. Allele origin: germline.
Comment: The c.817G>A variant in SUMF1 is a missense variant predicted to cause substitution of aspartic acid to asparagine at amino acid 273. This variant is rare in the general population with a frequency below the threshold expected for the associated phenotype(s). This variant has been observed in one or more individuals affected with the associated recessive disease, as either homozygous or compound heterozygous with a second variant (PMID: 32749716). A different variant at the same position has been determined to be Pathogenic or Likely Pathogenic. Computational prediction algorithms indicate this variant is likely to affect gene or protein function. Given the available evidence, this variant is classified as Likely Pathogenic.

Fulgent Genetics
Classification: Likely pathogenic for Multiple sulfatase deficiency. Last evaluated: 2024-03-11. Review status: criteria provided, single submitter. Criteria: ACMG Guidelines, 2015. Collection method: clinical testing. Allele origin: germline.

Women's Health and Genetics/Laboratory Corporation of America, LabCorp
Classification: Likely pathogenic for Multiple sulfatase deficiency. Last evaluated: 2024-03-10. Review status: criteria provided, single submitter. Criteria: LabCorp Variant Classification Summary - May 2015. Collection method: clinical testing. Allele origin: germline.
Comment: Variant summary: SUMF1 c.817G>A (p.Asp273Asn) results in a conservative amino acid change located in the Sulfatase-modifying factor enzyme domain (IPR005532) of the encoded protein sequence. Four of five in-silico tools predict a damaging effect of the variant on protein function. At-least one study reports in-silico analysis predicting a disruption of the local secondary structure in addition to loss of structural stability induced by loss of calcium co-ordination (Sheth_2023). Furthermore, a different variant at the same codon, c.818A>G (p.Asp273Gly) has been reported as Likely Pathogenic (n=2 in ClinVar database), supporting the critical relevance of the Aspartate residue at codon 273 to overall protein function. The variant allele was found at a frequency of 2.4e-05 in 251244 control chromosomes. c.817G>A has been reported in the literature as a mild variant in compound heterozygosity with a putative nonsense variant in at-least two individuals affected with Multiple Sulfatase Deficiency (example Adang_2020 cited by Sheth_2023). At least one publication reports experimental evidence evaluating an impact on protein function. The most pronounced variant effect results in 12.7% of normal Steroid Sulfatase activity and a substantially decreased stability (Sheth_2023). The following publications have been ascertained in the context of this evaluation (PMID: 32749716, 36959582). No submitters have cited clinical-significance assessments for this variant to ClinVar. Based on the evidence outlined above, the variant was classified as likely pathogenic.

Literature cited by the submitters: PubMed 11182930 (cited by Labcorp Genetics (formerly Invitae), Labcorp); PubMed 32749716 (cited by 3 submitters); PubMed 25516103 (cited by Labcorp Genetics (formerly Invitae), Labcorp); PubMed 36959582 (cited by Women's Health and Genetics/Laboratory Corporation of America, LabCorp).